The following is an entry in ClinVar:

NM_000215.4(JAK3):c.1442-5C>T

Gene: JAK3 (Janus kinase 3; minus strand). Cytogenetic location: 19p13.11.
Variant type: single nucleotide variant.
Coding change: c.1442-5C>T on transcript NM_000215.4 (MANE Select); 5 bases into the intron before coding-DNA position 1442, C replaced by T.
Molecular consequence: intron variant.
Genome position (GRCh38, 1-based): chr19:17,838,395, G>A on the plus strand (C>T on the coding strand, the complement: JAK3 is on the minus strand). VCF-style: chr19-17838395-G-A. GRCh37 (hg19) VCF-style: chr19-17949204-G-A.
Identifiers: ClinVar variation 137596 (VCV000137596.20), dbSNP rs3212750, ClinGen allele CA291255.

ClinVar aggregate classification (germline): Benign. Review status: criteria provided, multiple submitters, no conflicts (2 of 4 stars). 5 submissions from 5 submitters: Benign (4). 1 of the submissions does not count toward it. Last evaluated 2026-02-01.

Conditions:
JAK3-related disorder. Also called: JAK3-related condition.
T-B+ severe combined immunodeficiency due to JAK3 deficiency. Also called: SCID, T CELL-NEGATIVE, B CELL-POSITIVE, NK CELL-NEGATIVE; SCID, autosomal recessive, T-negative/B-positive type. Identifiers: Orphanet 35078, MedGen C1833275, MONDO:0010938, OMIM 600802.

Allele frequency attached by ClinVar (database versions not stated): gnomAD exomes 0.00065 and 0.00160; ExAC 0.00194; 1000 Genomes Project 0.00579; 1000 Genomes Project 30x 0.00656; ESP Exome Variant Server 0.00700; gnomAD 0.00700 and 0.00758; TOPMed 0.00784.
gnomAD v4.1: 2,054 of 1,614,122 alleles (0.13%); highest among the groups gnomAD compares: African/African-American, 2.4%; 26 homozygotes.

Submissions (5):

Labcorp Genetics (formerly Invitae), Labcorp
Classification: Benign for T-B+ severe combined immunodeficiency due to JAK3 deficiency. Last evaluated: 2026-02-01. Review status: criteria provided, single submitter. Criteria: Invitae Variant Classification Sherloc (09022015). Collection method: clinical testing. Allele origin: germline.

Illumina Laboratory Services, Illumina
Classification: Benign for T-B+ severe combined immunodeficiency due to JAK3 deficiency. Last evaluated: 2018-01-13. Review status: criteria provided, single submitter. Criteria: ICSL Variant Classification Criteria 13 December 2019. Collection method: clinical testing. Allele origin: germline.
Comment: This variant was observed in the ICSL laboratory as part of a predisposition screen in an ostensibly healthy population. It had not been previously curated by ICSL or reported in the Human Gene Mutation Database (HGMD: prior to June 1st, 2018), and was therefore a candidate for classification through an automated scoring system. Utilizing variant allele frequency, disease prevalence and penetrance estimates, and inheritance mode, an automated score was calculated to assess if this variant is too frequent to cause the disease. Based on the score and internal cut-off values, a variant classified as benign is not then subjected to further curation. The score for this variant resulted in a classification of benign for this disease.

Women's Health and Genetics/Laboratory Corporation of America, LabCorp
Classification: Benign. Last evaluated: 2017-11-22. Review status: criteria provided, single submitter. Criteria: LabCorp Variant Classification Summary - May 2015. Collection method: clinical testing. Allele origin: germline.
Comment: Variant summary: The JAK3 c.1442-5C>T variant involves the alteration of a non-conserved nucleotide. One in silico tool predicts a benign outcome for this variant. 5/5 splice prediction tools predict no significant impact on normal splicing. However, these predictions have yet to be confirmed by functional studies. This variant was found in 582/277228 control chromosomes (6 homozygotes), predominantly observed in the African subpopulation at a frequency of 0.022258 (535/24036 with 5 homozygotes). This frequency is about 21 times the estimated maximal expected allele frequency of a pathogenic JAK3 variant (0.0010801), suggesting this is likely a benign polymorphism found primarily in the populations of African origin. This variant, to our knowledge, has not been reported via publications in affected individuals. In addition, one clinical diagnostic laboratory classified this variant as benign. Taken together, this variant is classified as benign.

GeneDx
Classification: Benign. Last evaluated: 2014-04-29. Review status: criteria provided, single submitter. Criteria: GeneDx Variant Classification (06012015). Collection method: clinical testing. Allele origin: germline. Affected: yes.
Comment: This variant is considered likely benign or benign based on one or more of the following criteria: it is a conservative change, it occurs at a poorly conserved position in the protein, it is predicted to be benign by multiple in silico algorithms, and/or has population frequency not consistent with disease.

PreventionGenetics, part of Exact Sciences
Classification: Benign for JAK3-related condition. Last evaluated: 2019-03-27. Review status: no assertion criteria provided. Collection method: clinical testing. Allele origin: germline. Not counted in ClinVar's aggregate classification.
Comment: This variant is classified as benign based on ACMG/AMP sequence variant interpretation guidelines (Richards et al. 2015 PMID: 25741868, with internal and published modifications).

Literature cited by the submitters: PubMed 25505553 (cited by Women's Health and Genetics/Laboratory Corporation of America, LabCorp); PubMed 21050946 (cited by Women's Health and Genetics/Laboratory Corporation of America, LabCorp).